The following is an entry in ClinVar:

ClinVar aggregate classification (germline): Conflicting classifications of pathogenicity. Review status: criteria provided, conflicting classifications (1 of 4 stars). 2 submissions from 2 submitters: Likely pathogenic (1); Uncertain significance (1). Last evaluated 2025-08-17.

Conditions:
Bethlem myopathy 1A. Also called: MYOPATHY, BENIGN CONGENITAL, WITH CONTRACTURES; Bethlem Muscular Dystrophy; Bethlem myopathy 1. Identifiers: Orphanet 610, MedGen CN029274, MONDO:0024530, OMIM 158810.

gnomAD v4.1: 24 of 1,612,732 alleles (0.0015%); highest among the groups gnomAD compares: Non-Finnish European, 0.0019%; no homozygotes.

Submissions (2):

Labcorp Genetics (formerly Invitae), Labcorp
Classification: Uncertain significance for Bethlem myopathy 1A. Last evaluated: 2025-08-17. Review status: criteria provided, single submitter. Criteria: Invitae Variant Classification Sherloc (09022015). Collection method: clinical testing. Allele origin: germline.
Comment: This sequence change replaces glycine, which is neutral and non-polar, with arginine, which is basic and polar, at codon 484 of the COL6A2 protein (p.Gly484Arg). This variant is present in population databases (rs761310536, gnomAD 0.004%). This missense change has been observed in individual(s) with clinical features of COL6A2-related conditions (PMID: 20976770, 31127727). Invitae Evidence Modeling of protein sequence and biophysical properties (such as structural, functional, and spatial information, amino acid conservation, physicochemical variation, residue mobility, and thermodynamic stability) indicates that this missense variant is expected to disrupt COL6A2 protein function with a positive predictive value of 80%. This variant disrupts the triple helix domain of COL6A2. Glycine residues within the Gly-Xaa-Yaa repeats of the triple helix domain are required for the structure and stability of fibrillar collagens (PMID: 7695699, 8218237, 19344236). In COL6A2, missense variants at these glycine residues are significantly enriched in individuals with autosomal dominant disease (PMID: 15689448, 24038877) compared to the general population (ExAC). In summary, the available evidence is currently insufficient to determine the role of this variant in disease. Therefore, it has been classified as a Variant of Uncertain Significance.

GeneDx
Classification: Likely pathogenic. Last evaluated: 2025-04-21. Review status: criteria provided, single submitter. Criteria: GeneDx Variant Classification Process June 2021. Collection method: clinical testing. Allele origin: germline. Affected: yes.
Comment: Reported previously in an individual with moderately progressive myopathy, loss of ambulation, and scoliosis who harbored a second COL6A2 variant in the compound heterozygous state (PMID: 20976770); Replaces the glycine in the canonical Gly-X-Y repeat of the triple helical domain and is expected to disrupt normal protein folding and function, which is an established mechanism of disease (HGMD); In silico analysis supports that this missense variant has a deleterious effect on protein structure/function; This variant is associated with the following publications: (PMID: 24038877, 24463507, 20976770, 31127727)

Literature cited by the submitters: PubMed 20976770 (cited by Labcorp Genetics (formerly Invitae), Labcorp); PubMed 31127727 (cited by Labcorp Genetics (formerly Invitae), Labcorp); PubMed 7695699 (cited by Labcorp Genetics (formerly Invitae), Labcorp); PubMed 8218237 (cited by Labcorp Genetics (formerly Invitae), Labcorp); PubMed 19344236 (cited by Labcorp Genetics (formerly Invitae), Labcorp); PubMed 15689448 (cited by Labcorp Genetics (formerly Invitae), Labcorp); PubMed 24038877 (cited by Labcorp Genetics (formerly Invitae), Labcorp).

NM_001849.4(COL6A2):c.1450G>A (p.Gly484Arg)

Gene: COL6A2 (collagen type VI alpha 2 chain; plus strand). Cytogenetic location: 21q22.3.
Variant type: single nucleotide variant.
Coding change: c.1450G>A on transcript NM_001849.4 (MANE Select); coding-DNA position 1450, G replaced by A.
Protein change: p.Gly484Arg; replaces glycine 484 with arginine.
Molecular consequence: missense variant.
Genome position (GRCh38, 1-based): chr21:46,121,115, G>A. VCF-style: chr21-46121115-G-A. GRCh37 (hg19) VCF-style: chr21-47541029-G-A.
Other names: c.1450G>A, p.Gly484Arg (NM_058175.3, NM_058174.3); short protein forms G484R.
Identifiers: ClinVar variation 4528247 (VCV004528247.2).